The following is an entry in ClinVar:

ClinVar aggregate classification (germline): Uncertain significance. Review status: criteria provided, multiple submitters, no conflicts (2 of 4 stars). 4 submissions from 4 submitters: Uncertain significance (4). Last evaluated 2026-07-02.

Conditions:
Hereditary cancer-predisposing syndrome. Also called: Hereditary neoplastic syndrome; Neoplastic Syndromes, Hereditary; Tumor predisposition; Hereditary Cancer Syndrome. Identifiers: Orphanet 140162, MedGen C0027672, MeSH D009386, MONDO:0015356.
Retinoblastoma (RB1). Also called: RETINOBLASTOMA, SOMATIC. Identifiers: Orphanet 790, MedGen C0035335, MeSH D012175, MONDO:0008380, OMIM 180200, HP:0009919. Disease mechanism: loss of function. Inheritance: Both sporadic and heritable forms are tested..

Submissions (4):

Ambry Genetics
Classification: Uncertain significance for Hereditary cancer-predisposing syndrome. Last evaluated: 2026-07-02. Review status: criteria provided, single submitter. Criteria: Ambry Variant Classification Scheme 2023. Collection method: clinical testing. Allele origin: germline.
Comment: The p.G617R variant (also known as c.1849G>C), located in coding exon 19 of the RB1 gene, results from a G to C substitution at nucleotide position 1849. The glycine at codon 617 is replaced by arginine, an amino acid with dissimilar properties. This amino acid position is conserved. In addition, the in silico prediction for this alteration is inconclusive. Based on the available evidence, the clinical significance of this variant remains unclear.

Genetic Diagnostic Laboratory, University of Pennsylvania School of Medicine
Classification: Uncertain significance for Retinoblastoma. Last evaluated: 2024-05-20. Review status: criteria provided, single submitter. Criteria: ACMG Guidelines, 2015. Collection method: clinical testing. Allele origin: germline. Affected: yes. Observed: 1 variant allele.
Comment: Case and Pedigree Information: BILATERAL CASES:0, UNILATERAL CASES:1, TOTAL CASES:1, PEDIGREES:1. ACMG Codes Applied:PM1, PM2

All of Us Research Program, National Institutes of Health
Classification: Uncertain significance for Retinoblastoma. Last evaluated: 2023-03-23. Review status: criteria provided, single submitter. Criteria: ACMG Guidelines, 2015. Collection method: clinical testing. Allele origin: germline. Inheritance: Autosomal dominant inheritance. Observed: 1 variant allele, 1 heterozygote.
Comment: This missense variant replaces glycine with arginine at codon 617 of the RB1 protein. Computational prediction suggests that this variant may not impact protein structure and function (internally defined REVEL score threshold <= 0.5, PMID: 27666373). To our knowledge, functional studies have not been reported for this variant. This variant has not been reported in individuals affected with RB1-related disorders in the literature. This variant has not been identified in the general population by the Genome Aggregation Database (gnomAD). The available evidence is insufficient to determine the role of this variant in disease conclusively. Therefore, this variant is classified as a Variant of Uncertain Significance.

This study involves interpretation of variants in research participants for the purpose of population health screening. Participant phenotype was not available at the time of variant classification. Additional details can be found in publication PMID: 35346344, PMCID: PMC8962531

Labcorp Genetics (formerly Invitae), Labcorp
Classification: Uncertain significance for Retinoblastoma. Last evaluated: 2022-06-29. Review status: criteria provided, single submitter. Criteria: Invitae Variant Classification Sherloc (09022015). Collection method: clinical testing. Allele origin: germline.
Comment: Advanced modeling of protein sequence and biophysical properties (such as structural, functional, and spatial information, amino acid conservation, physicochemical variation, residue mobility, and thermodynamic stability) performed at Invitae indicates that this missense variant is expected to disrupt RB1 protein function. In summary, the available evidence is currently insufficient to determine the role of this variant in disease. Therefore, it has been classified as a Variant of Uncertain Significance. This variant has not been reported in the literature in individuals affected with RB1-related conditions. This variant is not present in population databases (gnomAD no frequency). This sequence change replaces glycine, which is neutral and non-polar, with arginine, which is basic and polar, at codon 617 of the RB1 protein (p.Gly617Arg).

NM_000321.3(RB1):c.1849G>C (p.Gly617Arg)

Gene: RB1 (RB transcriptional corepressor 1; plus strand). Cytogenetic location: 13q14.2.
Variant type: single nucleotide variant.
Coding change: c.1849G>C on transcript NM_000321.3 (MANE Select); coding-DNA position 1849, G replaced by C.
Protein change: p.Gly617Arg; replaces glycine 617 with arginine.
Molecular consequence: missense variant.
Genome position (GRCh38, 1-based): chr13:48,456,238, G>C. VCF-style: chr13-48456238-G-C. GRCh37 (hg19) VCF-style: chr13-49030374-G-C.
Other names: c.1849G>C, p.Gly617Arg (NM_001407165.1); short protein forms G617R.
Identifiers: ClinVar variation 1948617 (VCV001948617.8), dbSNP rs2138331127, ClinGen allele CA388165759.
Genomic context (GRCh38, chr13:48,456,238, plus strand): 5'-AAGACTTTTCCTTTAAATATATCTAGGTATCTTTCTCCTGTAAGATCTCCAAAGAAAAAA[G>C]GTTCAACTACGCGTGTAAATTCTACTGCAAATGCAGAGACACAAGCAACCTCAGCCTTCC-3'
Protein context (NP_000312.2, residues 607-627): LSPVRSPKKK[Gly617Arg]STTRVNSTAN